The following is an entry in ClinVar:

NM_001375524.1(TRRAP):c.8773G>A (p.Glu2925Lys)

Gene: TRRAP (transformation/transcription domain associated protein; plus strand). Cytogenetic location: 7q22.1.
Variant type: single nucleotide variant.
Coding change: c.8773G>A on transcript NM_001375524.1 (MANE Select); coding-DNA position 8773, G replaced by A.
Protein change: p.Glu2925Lys; replaces glutamic acid 2925 with lysine.
Molecular consequence: missense variant.
Genome position (GRCh38, 1-based): chr7:98,981,907, G>A. VCF-style: chr7-98981907-G-A. GRCh37 (hg19) VCF-style: chr7-98579530-G-A.
Other names: c.8752G>A, p.Glu2918Lys (NM_001244580.2); c.8698G>A, p.Glu2900Lys (NM_003496.4); short protein forms E2900K, E2918K, E2925K.
Identifiers: ClinVar variation 3769819 (VCV003769819.2).
Genomic context (GRCh38, chr7:98,981,907, plus strand): 5'-GAGCAGCAGCTCAGCTTCATCGAGCGCCTGGTGGAGATGGCCAGCAGCCTGGCCATCCGC[G>A]AGTGGCGGCGGCTGCCCCACGTAGTGTCCCACGTGCACACGCCTCTCCTACAGGTGCGTG-3'
Protein context (NP_001362453.1, residues 2915-2935): VEMASSLAIR[Glu2925Lys]WRRLPHVVSH

ClinVar aggregate classification (germline): Uncertain significance. Review status: criteria provided, multiple submitters, no conflicts (2 of 4 stars). 2 submissions from 2 submitters: Uncertain significance (2). Last evaluated 2024-09-11.

gnomAD v4.1: 1 of 1,609,254 alleles (0.000062%); highest among the groups gnomAD compares: African/African-American, 0.0013%; no homozygotes.

Submissions (2):

GeneDx
Classification: Uncertain significance. Last evaluated: 2024-09-11. Review status: criteria provided, single submitter. Criteria: GeneDx Variant Classification Process June 2021. Collection method: clinical testing. Allele origin: germline. Affected: yes.
Comment: Not observed at significant frequency in large population cohorts (gnomAD); In silico analysis supports that this missense variant has a deleterious effect on protein structure/function; Has not been previously published as pathogenic or benign to our knowledge

Blueprint Genetics
Classification: Uncertain significance. Last evaluated: 2021-01-22. Review status: criteria provided, single submitter. Criteria: ACMG Guidelines, 2015. Collection method: clinical testing. Allele origin: germline.